The following is an entry in ClinVar:

ClinVar aggregate classification (germline): Uncertain significance (1 of 4 stars; one submission).

Conditions:
Epilepsy, familial focal, with variable foci 3 (FFEVF3). Identifiers: MedGen C4310708, MONDO:0014925, OMIM 617118.

Submission:

Department of Human Genetics, Hannover Medical School
Classification: Uncertain significance for Epilepsy, familial focal, with variable foci 3. Last evaluated: 2025-03-04. Review status: criteria provided, single submitter. Criteria: ACMG Guidelines, 2015. Collection method: clinical testing. Allele origin: germline. Affected: yes.
Comment: ACMG: PM2_Supporting, PM4

NM_001077350.3(NPRL3):c.1413_1433dup (p.Leu478_Asn479insProSerGlyAspSerProLeu)

Genes: HBA-LCR (alpha-globin locus control region; plus strand), NPRL3 (NPR3 like, GATOR1 complex subunit; minus strand). Cytogenetic location: 16p13.3.
Variant type: Duplication.
Coding change: c.1413_1433dup on transcript NM_001077350.3 (MANE Select); coding-DNA positions 1413 to 1433, 21 bases duplicated (TCCCAGCGGGGACTCGCCACT).
Protein change: p.Leu478_Asn479insProSerGlyAspSerProLeu.
Genome position (GRCh38, 1-based): chr16:88,809-88,829, AGTGGCGAGTCCCCGCTGGGA duplicated on the plus strand (TCCCAGCGGGGACTCGCCACT on the coding strand, the reverse complement: NPRL3 is on the minus strand); duplicating any 21 consecutive bases within chr16:88,809-88,832 gives the same sequence; the c. name uses the placement nearest the transcript's 3' end. VCF-style (leftmost placement, unchanged base first): chr16-88808-C-CAGTGGCGAGTCCCCGCTGGGA. GRCh37 (hg19) VCF-style: chr16-138806-C-CAGTGGCGAGTCCCCGCTGGGA.
Other names: c.876_896dup, p.Leu299_Asn300insProSerGlyAspSerProLeu (NM_001039476.3); c.1179_1199dup, p.Leu400_Asn401insProSerGlyAspSerProLeu (NM_001243247.2); c.1338_1358dup, p.Leu453_Asn454insProSerGlyAspSerProLeu (NM_001243248.2, NM_001243249.2).
Identifiers: ClinVar variation 3765340 (VCV003765340.1).